The following is an entry in ClinVar:

NM_003560.4(PLA2G6):c.1604C>A (p.Ala535Asp)

Gene: PLA2G6 (phospholipase A2 group VI; minus strand). Cytogenetic location: 22q13.1.
Variant type: single nucleotide variant.
Coding change: c.1604C>A on transcript NM_003560.4 (MANE Select); coding-DNA position 1604, C replaced by A.
Protein change: p.Ala535Asp; replaces alanine 535 with aspartic acid.
Molecular consequence: missense variant.
Genome position (GRCh38, 1-based): chr22:38,120,897, G>T on the plus strand (C>A on the coding strand, the complement: PLA2G6 is on the minus strand). VCF-style: chr22-38120897-G-T. GRCh37 (hg19) VCF-style: chr22-38516904-G-T.
Other names: c.1442C>A, p.Ala481Asp (NM_001004426.3, NM_001199562.3, NM_001349865.2 and 1 more transcripts); c.1604C>A, p.Ala535Asp (NM_001349864.2); c.1070C>A, p.Ala357Asp (NM_001349867.2); c.926C>A, p.Ala309Asp (NM_001349868.2); c.908C>A, p.Ala303Asp (NM_001349869.2); short protein forms A303D, A309D, A357D, A481D, A535D.
Identifiers: ClinVar variation 2502584 (VCV002502584.1), dbSNP rs2087488163, ClinGen allele CA411527692.

ClinVar aggregate classification (germline): Uncertain significance (1 of 4 stars; one submission).

Allele frequency attached by ClinVar (database versions not stated): TOPMed below 0.00001.

Submission:

GeneDx
Classification: Uncertain significance. Last evaluated: 2022-11-22. Review status: criteria provided, single submitter. Criteria: GeneDx Variant Classification Process June 2021. Collection method: clinical testing. Allele origin: germline. Affected: yes.
Comment: Not observed at significant frequency in large population cohorts (gnomAD); In silico analysis supports that this missense variant does not alter protein structure/function; Has not been previously published as pathogenic or benign to our knowledge